The following is an entry in ClinVar:

NM_012471.3(TRPC5):c.384C>T (p.Pro128=)

Gene: TRPC5 (transient receptor potential cation channel subfamily C member 5; minus strand). Cytogenetic location: Xq23.
Variant type: single nucleotide variant.
Coding change: c.384C>T on transcript NM_012471.3 (MANE Select); coding-DNA position 384, C replaced by T.
Protein change: p.Pro128=; no amino-acid change (proline 128 retained).
Molecular consequence: synonymous variant.
Genome position (GRCh38, 1-based): chrX:111,912,807, G>A on the plus strand (C>T on the coding strand, the complement: TRPC5 is on the minus strand). VCF-style: chrX-111912807-G-A. GRCh37 (hg19) VCF-style: chrX-111156035-G-A.
Identifiers: ClinVar variation 734920 (VCV000734920.6), dbSNP rs58337149, ClinGen allele CA10494414.

ClinVar aggregate classification (germline): Benign. Review status: criteria provided, single submitter (1 of 4 stars). 2 submissions from 2 submitters: Benign (1). 1 of the submissions does not count toward it. Last evaluated 2019-12-31.

Conditions:
TRPC5-related disorder. Also called: TRPC5-related condition.

Allele frequency attached by ClinVar (database versions not stated): gnomAD exomes 0.00098 and 0.00290; ExAC 0.00332; gnomAD 0.00848 and 0.00895; TOPMed 0.01035; 1000 Genomes Project 0.01060; 1000 Genomes Project 30x 0.01061; ESP Exome Variant Server 0.01079.
gnomAD v4.1: 2,062 of 1,193,305 alleles (0.17%); highest among the groups gnomAD compares: African/African-American, 3.1%; 20 homozygotes.

Submissions (2):

Labcorp Genetics (formerly Invitae), Labcorp
Classification: Benign. Last evaluated: 2019-12-31. Review status: criteria provided, single submitter. Criteria: Invitae Variant Classification Sherloc (09022015). Collection method: clinical testing. Allele origin: germline.

PreventionGenetics, part of Exact Sciences
Classification: Benign for TRPC5-related condition. Last evaluated: 2019-12-31. Review status: no assertion criteria provided. Collection method: clinical testing. Allele origin: germline. Not counted in ClinVar's aggregate classification.
Comment: This variant is classified as benign based on ACMG/AMP sequence variant interpretation guidelines (Richards et al. 2015 PMID: 25741868, with internal and published modifications).